The following is an entry in ClinVar:

NM_001270974.2(HYDIN):c.6326C>T (p.Ala2109Val)

Gene: HYDIN (HYDIN axonemal central pair apparatus protein; minus strand). Cytogenetic location: 16q22.2.
Variant type: single nucleotide variant.
Coding change: c.6326C>T on transcript NM_001270974.2 (MANE Select); coding-DNA position 6326, C replaced by T.
Protein change: p.Ala2109Val; replaces alanine 2109 with valine.
Molecular consequence: missense variant.
Genome position (GRCh38, 1-based): chr16:70,952,626, G>A on the plus strand (C>T on the coding strand, the complement: HYDIN is on the minus strand). VCF-style: chr16-70952626-G-A. GRCh37 (hg19) VCF-style: chr16-70986529-G-A.
Other names: short protein forms A2109V.
Identifiers: ClinVar variation 1810176 (VCV001810176.2), dbSNP rs767988138, ClinGen allele CA8150310.

ClinVar aggregate classification (germline): Conflicting classifications of pathogenicity. Review status: criteria provided, conflicting classifications (1 of 4 stars). 2 submissions from 2 submitters: Uncertain significance (1); Likely benign (1). Last evaluated 2024-09-20.

Allele frequency attached by ClinVar (database versions not stated): TOPMed 0.00028; 1000 Genomes Project 30x 0.00031; ExAC 0.00049.

Submissions (2):

Blueprint Genetics
Classification: Likely benign. Last evaluated: 2024-09-20. Review status: criteria provided, single submitter. Criteria: ACMG Guidelines, 2015. Collection method: clinical testing. Allele origin: germline.

GeneDx
Classification: Uncertain significance. Last evaluated: 2022-07-01. Review status: criteria provided, single submitter. Criteria: GeneDx Variant Classification Process June 2021. Collection method: clinical testing. Allele origin: germline. Affected: yes.
Comment: In silico analysis supports that this missense variant does not alter protein structure/function; Has not been previously published as pathogenic or benign to our knowledge